The following is an entry in ClinVar:

NM_004360.5(CDH1):c.1944A>G (p.Glu648=)

Gene: CDH1 (cadherin 1; plus strand). Cytogenetic location: 16q22.1.
Variant type: single nucleotide variant.
Coding change: c.1944A>G on transcript NM_004360.5 (MANE Select); coding-DNA position 1944, A replaced by G.
Protein change: p.Glu648=; no amino-acid change (glutamic acid 648 retained).
Molecular consequence: synonymous variant. On other transcripts: 5 prime UTR variant (1).
Genome position (GRCh38, 1-based): chr16:68,823,406, A>G. VCF-style: chr16-68823406-A-G. GRCh37 (hg19) VCF-style: chr16-68857309-A-G.
Other names: c.1761A>G, p.Glu587= (NM_001317184.2); c.396A>G, p.Glu132= (NM_001317185.2); c.-22A>G (NM_001317186.2).
Identifiers: ClinVar variation 795762 (VCV000795762.13), dbSNP rs1596965497, ClinGen allele CA496393025.
Genomic context (GRCh38, chr16:68,823,406, plus strand): 5'-GCTTTTTATTTTCCTCCCCTGGTCTCATCATTTCTTTTTATTGCTTTCTCCAGCCCAAGA[A>G]TCTATCATTTTGAAGCCAAAGATGGCCTTAGAGGTGGGTGACTACAAAATCAATCTCAAG-3'
Protein context (NP_004351.1, residues 638-658): WTIQYNDPTQ[Glu648=]SIILKPKMAL

ClinVar aggregate classification (germline): Benign/Likely benign. Review status: criteria provided, multiple submitters, no conflicts (2 of 4 stars). 4 submissions from 4 submitters: Benign (1); Likely benign (3). Last evaluated 2025-04-07.

Conditions:
Hereditary diffuse gastric adenocarcinoma (HDGC). Also called: DIFFUSE GASTRIC AND LOBULAR BREAST CANCER SYNDROME. Identifiers: Orphanet 26106, MedGen C1708349, MONDO:0007648, OMIM 137215.
Hereditary cancer-predisposing syndrome. Also called: Neoplastic Syndromes, Hereditary; Hereditary Cancer Syndrome; Tumor predisposition; Hereditary neoplastic syndrome. Identifiers: Orphanet 140162, MedGen C0027672, MeSH D009386, MONDO:0015356.

Allele frequency attached by ClinVar (database versions not stated): gnomAD exomes 0.00001.
gnomAD v4.1: 7 of 1,609,644 alleles (0.00043%); highest among the groups gnomAD compares: Non-Finnish European, 0.0006%; no homozygotes.

Submissions (4):

Labcorp Genetics (formerly Invitae), Labcorp
Classification: Likely benign for Hereditary diffuse gastric adenocarcinoma. Last evaluated: 2025-04-07. Review status: criteria provided, single submitter. Criteria: Invitae Variant Classification Sherloc (09022015). Collection method: clinical testing. Allele origin: germline.

Myriad Genetics, Inc.
Classification: Benign for Hereditary diffuse gastric adenocarcinoma. Last evaluated: 2024-09-20. Review status: criteria provided, single submitter. Criteria: Myriad Autosomal Dominant, Autosomal Recessive and X-Linked Classification Criteria (2023). Collection method: clinical testing. Allele origin: unknown.
Comment: This variant is considered benign. This variant is a silent/synonymous amino acid change and it is not expected to impact splicing.

Ambry Genetics
Classification: Likely benign for Hereditary cancer-predisposing syndrome. Last evaluated: 2024-04-05. Review status: criteria provided, single submitter. Criteria: Ambry Variant Classification Scheme 2023. Collection method: clinical testing. Allele origin: germline.

Color Diagnostics, LLC DBA Color Health
Classification: Likely benign for Hereditary cancer-predisposing syndrome. Last evaluated: 2021-11-22. Review status: criteria provided, single submitter. Criteria: ACMG Guidelines, 2015. Collection method: clinical testing. Allele origin: germline.